The following is an entry in ClinVar:

NM_014683.4(ULK2):c.2021C>G (p.Ser674Ter)

Gene: ULK2 (unc-51 like autophagy activating kinase 2; minus strand). Cytogenetic location: 17p11.2.
Variant type: single nucleotide variant.
Coding change: c.2021C>G on transcript NM_014683.4 (MANE Select); coding-DNA position 2021, C replaced by G.
Protein change: p.Ser674Ter; replaces serine 674 with a stop codon.
Molecular consequence: nonsense.
Genome position (GRCh38, 1-based): chr17:19,795,702, G>C on the plus strand (C>G on the coding strand, the complement: ULK2 is on the minus strand). VCF-style: chr17-19795702-G-C. GRCh37 (hg19) VCF-style: chr17-19699015-G-C.
Other names: c.2021C>G, p.Ser674Ter (NM_001142610.2); short protein forms S674*.
Identifiers: ClinVar variation 4279848 (VCV004279848.1).

ClinVar aggregate classification (germline): Uncertain significance (1 of 4 stars; one submission).

Submission:

Clinical Genomics Laboratory, Washington University in St. Louis
Classification: Uncertain significance. Last evaluated: 2025-08-06. Review status: criteria provided, single submitter. Criteria: ACMG Guidelines, 2015. Collection method: clinical testing. Allele origin: germline.
Comment: The ULK2 c.2021C>G (p.Ser674*) variant, to our knowledge, has not been reported in the medical literature. This variant is absent from the general population (gnomAD v.2.1.1), indicating it is not a common variant. This variant leads to a premature termination codon and it is predicted to lead to nonsense mediated decay.